The following is an entry in ClinVar:

ClinVar aggregate classification (germline): Pathogenic/Likely pathogenic. Review status: criteria provided, multiple submitters, no conflicts (2 of 4 stars). 5 submissions from 5 submitters: Pathogenic (4); Likely pathogenic (1). Last evaluated 2024-12-30.

Conditions:
Pyruvate dehydrogenase E3-binding protein deficiency (PDHXD). Also called: E3-Binding Protein (Component X) Deficiency; LACTIC ACIDEMIA DUE TO DEFECT IN LIPOYL-CONTAINING COMPONENT X OF THE PYRUVATE DEHYDROGENASE COMPLEX; Lacticacidemia due to PDX1 deficiency; PYRUVATE HYDROGENASE E3-BINDING PROTEIN DEFICIENCY. Identifiers: Orphanet 255182, MedGen C1855553, MONDO:0009503, OMIM 245349.
Inborn genetic diseases. Identifiers: MedGen C0950123, MeSH D030342.

Submissions (5):

Ambry Genetics
Classification: Pathogenic for Inborn genetic diseases. Last evaluated: 2024-12-30. Review status: criteria provided, single submitter. Criteria: Ambry Variant Classification Scheme 2023. Collection method: clinical testing. Allele origin: germline.
Comment: The c.711dupC (p.T238Hfs*40) alteration, located in exon 6 (coding exon 6) of the PDHX gene, consists of a duplication of C at position 711, causing a translational frameshift with a predicted alternate stop codon after 40 amino acids. This alteration is expected to result in loss of function by premature protein truncation or nonsense-mediated mRNA decay. Based on data from gnomAD, the c.711dupC allele has an overall frequency of 0.001% (2/251252) total alleles studied. The highest observed frequency was 0.01% (1/10072) of Ashkenazi Jewish alleles. Based on the available evidence, this alteration is classified as pathogenic.

Fulgent Genetics
Classification: Likely pathogenic for Pyruvate dehydrogenase E3-binding protein deficiency. Last evaluated: 2024-04-25. Review status: criteria provided, single submitter. Criteria: ACMG Guidelines, 2015. Collection method: clinical testing. Allele origin: germline.

Labcorp Genetics (formerly Invitae), Labcorp
Classification: Pathogenic. Last evaluated: 2022-01-16. Review status: criteria provided, single submitter. Criteria: Invitae Variant Classification Sherloc (09022015). Collection method: clinical testing. Allele origin: germline.
Comment: This sequence change creates a premature translational stop signal (p.Thr238Hisfs*40) in the PDHX gene. It is expected to result in an absent or disrupted protein product. Loss-of-function variants in PDHX are known to be pathogenic (PMID: 16904023, 21914562). This variant is present in population databases (rs776567343, gnomAD 0.01%). This variant has not been reported in the literature in individuals affected with PDHX-related conditions. ClinVar contains an entry for this variant (Variation ID: 418869). For these reasons, this variant has been classified as Pathogenic.

Revvity Omics, Revvity
Classification: Pathogenic for Pyruvate dehydrogenase E3-binding protein deficiency. Last evaluated: 2019-11-06. Review status: criteria provided, single submitter. Criteria: ACMG Guidelines, 2015. Collection method: clinical testing. Allele origin: germline.

GeneDx
Classification: Pathogenic. Last evaluated: 2015-04-27. Review status: criteria provided, single submitter. Criteria: GeneDx Variant Classification (06012015). Collection method: clinical testing. Allele origin: germline. Affected: yes.
Comment: The c.711dupC duplication in the PDHX gene has not been reported previously as a pathogenic variant nor as a benign polymorphism, to our knowledge. The c.711dupC duplication causes a frameshiftstarting with codon Threonine 238 changes this amino acid to a Histidine residue and creates a prematureStop codon at position 40 of the new reading frame, denoted p.Thr238HisfsX40. This variant is predictedto cause loss of normal protein function either through protein truncation or nonsense-mediated mRNAdecay. The c.711dupC duplication was not observed in approximately 6500 individuals of European andAfrican American ancestry in the NHLBI Exome Sequencing Project, indicating it is not a common benignvariant in these populations. We interpret c.711dupC as a pathogenic variant.

Literature cited by the submitters: PubMed 16904023 (cited by Labcorp Genetics (formerly Invitae), Labcorp); PubMed 21914562 (cited by Labcorp Genetics (formerly Invitae), Labcorp).

NM_003477.3(PDHX):c.711dup (p.Thr238fs)

Gene: PDHX (pyruvate dehydrogenase complex component X; plus strand). Cytogenetic location: 11p13.
Variant type: Duplication.
Coding change: c.711dup on transcript NM_003477.3 (MANE Select); coding-DNA position 711, one base duplicated (C; older notation c.711dupC).
Protein change: p.Thr238fs; shifts the reading frame from threonine 238.
Molecular consequence: frameshift variant. On other transcripts: intron variant (1).
Genome position (GRCh38, 1-based): chr11:34,966,709, C duplicated; the last of 5 consecutive C bases (chr11:34,966,705-34,966,709); duplicating any one gives the same sequence. VCF-style (leftmost placement, unchanged base first): chr11-34966704-G-GC. GRCh37 (hg19) VCF-style: chr11-34988251-G-GC.
Other names: c.711dupC (NM_003477.2); c.531dup, p.Thr178fs (NM_001135024.2); c.343-17861dup (NM_001166158.2); short protein forms T238fs, T178fs.
Identifiers: ClinVar variation 418869 (VCV000418869.13), dbSNP rs776567343, ClinGen allele CA5945969.
Genomic context (GRCh38, chr11:34,966,704, plus strand): 5'-GCTCTCAAACTTGTCCAGTTGAAACAAACGGGCAAGATTACCGAGTCCAGACCAACTCCA[G>GC]CCCCCACAGCCACTCCCACAGCACCTTCGCCCCTACAGGCCACAGCTGGACCATCTTATC-3'